The following is an entry in ClinVar:

ClinVar aggregate classification (germline): Pathogenic/Likely pathogenic. Review status: criteria provided, multiple submitters, no conflicts (2 of 4 stars). 2 submissions from 2 submitters: Pathogenic (1); Likely pathogenic (1). Last evaluated 2024-06-17.

Conditions:
Glycogen storage disease IXc (GSD9C). Also called: GSD IXc. Identifiers: Orphanet 264580, MedGen C2751643, MONDO:0013091, OMIM 613027.

Submissions (2):

Fulgent Genetics
Classification: Likely pathogenic for Glycogen storage disease IXc. Last evaluated: 2024-06-17. Review status: criteria provided, single submitter. Criteria: ACMG Guidelines, 2015. Collection method: clinical testing. Allele origin: germline.

Labcorp Genetics (formerly Invitae), Labcorp
Classification: Pathogenic for Glycogen storage disease IXc. Last evaluated: 2022-07-30. Review status: criteria provided, single submitter. Criteria: Invitae Variant Classification Sherloc (09022015). Collection method: clinical testing. Allele origin: germline.
Comment: This variant is present in population databases (no rsID available, gnomAD 0.003%). This sequence change creates a premature translational stop signal (p.Lys112Glufs*29) in the PHKG2 gene. It is expected to result in an absent or disrupted protein product. Loss-of-function variants in PHKG2 are known to be pathogenic (PMID: 8896567, 17689125, 21646031). This variant has not been reported in the literature in individuals affected with PHKG2-related conditions. For these reasons, this variant has been classified as Pathogenic.

Literature cited by the submitters: PubMed 8896567 (cited by Labcorp Genetics (formerly Invitae), Labcorp); PubMed 17689125 (cited by Labcorp Genetics (formerly Invitae), Labcorp); PubMed 21646031 (cited by Labcorp Genetics (formerly Invitae), Labcorp).

NM_000294.3(PHKG2):c.334_337del (p.Lys112fs)

Gene: PHKG2 (phosphorylase kinase catalytic subunit gamma 2; plus strand). Cytogenetic location: 16p11.2.
Variant type: Deletion.
Coding change: c.334_337del on transcript NM_000294.3 (MANE Select); coding-DNA positions 334 to 337, 4 bases deleted (AAGG; older notation c.334_337delAAGG).
Protein change: p.Lys112fs; shifts the reading frame from lysine 112.
Molecular consequence: frameshift variant.
Genome position (GRCh38, 1-based): chr16:30,753,239-30,753,242, AAGG deleted; deleting any 4 consecutive bases within chr16:30,753,237-30,753,242 gives the same sequence; the c. name uses the placement nearest the transcript's 3' end. VCF-style (leftmost placement, unchanged base first): chr16-30753236-CGGAA-C. GRCh37 (hg19) VCF-style: chr16-30764557-CGGAA-C.
Other names: c.334_337del, p.Lys112fs (NM_001172432.2); short protein forms K112fs.
Identifiers: ClinVar variation 2020749 (VCV002020749.5), dbSNP rs1567261757, ClinGen allele CA622170309.